The following is an entry in ClinVar:

NM_006506.5(RASA2):c.374_443dup (p.Glu148_Val149insArgArgLeuValTer)

Gene: RASA2 (RAS p21 protein activator 2; plus strand). Cytogenetic location: 3q23.
Variant type: Duplication.
Coding change: c.374_443dup on transcript NM_006506.5 (MANE Select); coding-DNA positions 374 to 443, 70 bases duplicated.
Protein change: p.Glu148_Val149insArgArgLeuValTer.
Molecular consequence: nonsense, inframe insertion.
Genome position (GRCh38, 1-based): chr3:141,529,726-141,529,795, 70 bases duplicated. GRCh37 (hg19): chr3:141,248,568-141,248,637.
Other names: c.374_443dup, p.Glu148_Val149insArgArgLeuValTer (NM_001303245.3, NM_001303246.3).
Identifiers: ClinVar variation 917761 (VCV000917761.1), dbSNP rs2082232970, ClinGen allele CA1139658281.

ClinVar aggregate classification (germline): Uncertain significance (1 of 4 stars; one submission).

Submission:

Women's Health and Genetics/Laboratory Corporation of America, LabCorp
Classification: Uncertain significance. Last evaluated: 2020-04-13. Review status: criteria provided, single submitter. Criteria: LabCorp Variant Classification Summary - May 2015. Collection method: clinical testing. Allele origin: germline.
Comment: Variant summary: RASA2 c.374_443dup70 (p.Val149ArgfsX5) results in a premature termination codon, predicted to cause a truncation of the encoded protein or absence of the protein due to nonsense mediated decay. The variant was absent in 250428 control chromosomes (gnomAD). The available data on variant occurrences in the general population are insufficient to allow any conclusion about variant significance. To our knowledge, no occurrence of c.374_443dup70 in individuals affected with Noonan Syndrome And Related Conditions and no experimental evidence demonstrating its impact on protein function have been reported. No clinical diagnostic laboratories have submitted clinical-significance assessments for this variant to ClinVar after 2014. Based on the evidence outlined above, the variant was classified as uncertain significance.